The following is an entry in ClinVar:

ClinVar aggregate classification (germline): Uncertain significance (1 of 4 stars; one submission).

Conditions:
Baller-Gerold syndrome (BGS). Also called: CRANIOSYNOSTOSIS WITH RADIAL DEFECTS. Identifiers: Orphanet 1225, MedGen C0265308, MONDO:0009039, OMIM 218600.

Allele frequency attached by ClinVar (database versions not stated): TOPMed 0.00001.

Submission:

Labcorp Genetics (formerly Invitae), Labcorp
Classification: Uncertain significance for Baller-Gerold syndrome. Last evaluated: 2024-12-23. Review status: criteria provided, single submitter. Criteria: Invitae Variant Classification Sherloc (09022015). Collection method: clinical testing. Allele origin: germline.
Comment: This sequence change replaces methionine, which is neutral and non-polar, with isoleucine, which is neutral and non-polar, at codon 996 of the RECQL4 protein (p.Met996Ile). This variant is not present in population databases (gnomAD no frequency). This variant has not been reported in the literature in individuals affected with RECQL4-related conditions. ClinVar contains an entry for this variant (Variation ID: 1437879). Invitae Evidence Modeling of protein sequence and biophysical properties (such as structural, functional, and spatial information, amino acid conservation, physicochemical variation, residue mobility, and thermodynamic stability) indicates that this missense variant is not expected to disrupt RECQL4 protein function with a negative predictive value of 80%. In summary, the available evidence is currently insufficient to determine the role of this variant in disease. Therefore, it has been classified as a Variant of Uncertain Significance.

NM_004260.4(RECQL4):c.2988G>A (p.Met996Ile)

Gene: RECQL4 (RecQ like helicase 4; minus strand). Cytogenetic location: 8q24.3.
Variant type: single nucleotide variant.
Coding change: c.2988G>A on transcript NM_004260.4 (MANE Select); coding-DNA position 2988, G replaced by A.
Protein change: p.Met996Ile; replaces methionine 996 with isoleucine.
Molecular consequence: missense variant.
Genome position (GRCh38, 1-based): chr8:144,512,459, C>T on the plus strand (G>A on the coding strand, the complement: RECQL4 is on the minus strand). VCF-style: chr8-144512459-C-T. GRCh37 (hg19) VCF-style: chr8-145737842-C-T.
Other names: short protein forms M996I.
Identifiers: ClinVar variation 1437879 (VCV001437879.6), dbSNP rs1827433430, ClinGen allele CA372672952.